The following is an entry in ClinVar:

ClinVar aggregate classification (germline): Benign/Likely benign. Review status: criteria provided, multiple submitters, no conflicts (2 of 4 stars). 8 submissions from 6 submitters: Benign (7); Likely benign (1). Last evaluated 2026-02-04.

Conditions:
Schwartz-Jampel syndrome. Also called: Myotonic myopathy dwarfism chondrodystrophy and ocular and facial abnormalities. Identifiers: Orphanet 800, MedGen C0036391, MONDO:0009717.
Lethal Kniest-like syndrome (DDSH). Also called: Dyssegmental Dysplasia. Identifiers: Orphanet 1865, MedGen C1857100, MONDO:0009140, OMIM 224410.

Allele frequency attached by ClinVar (database versions not stated): gnomAD exomes 0.07566 and 0.08263; ExAC 0.07947; 1000 Genomes Project 0.08586; 1000 Genomes Project 30x 0.08760; gnomAD 0.10025 and 0.10303; TOPMed 0.10255; ESP Exome Variant Server 0.10949.
gnomAD v4.1: 136,107 of 1,613,860 alleles (8.4%); highest among the groups gnomAD compares: African/African-American, 18%; 6,534 homozygotes.

Submissions (8):

Labcorp Genetics (formerly Invitae), Labcorp
Classification: Benign. Last evaluated: 2026-02-04. Review status: criteria provided, single submitter. Criteria: Invitae Variant Classification Sherloc (09022015). Collection method: clinical testing. Allele origin: germline.

Blueprint Genetics
Classification: Likely benign. Last evaluated: 2024-11-26. Review status: criteria provided, single submitter. Criteria: ACMG Guidelines, 2015. Collection method: clinical testing. Allele origin: germline.

Genome-Nilou Lab
Classification: Benign for Lethal Kniest-like syndrome. Last evaluated: 2021-08-10. Review status: criteria provided, single submitter. Criteria: ACMG Guidelines, 2015. Collection method: clinical testing. Allele origin: germline. Affected: no.

Genome-Nilou Lab
Classification: Benign for Schwartz-Jampel syndrome type 1. Last evaluated: 2021-08-10. Review status: criteria provided, single submitter. Criteria: ACMG Guidelines, 2015. Collection method: clinical testing. Allele origin: germline. Affected: no.

GeneDx
Classification: Benign. Last evaluated: 2018-08-25. Review status: criteria provided, single submitter. Criteria: GeneDx Variant Classification Process June 2021. Collection method: clinical testing. Allele origin: germline. Affected: yes.

Illumina Laboratory Services, Illumina
Classification: Benign for Lethal Kniest-like syndrome. Last evaluated: 2018-01-13. Review status: criteria provided, single submitter. Criteria: ICSL Variant Classification Criteria 13 December 2019. Collection method: clinical testing. Allele origin: germline.
Comment: This variant was observed in the ICSL laboratory as part of a predisposition screen in an ostensibly healthy population. It had not been previously curated by ICSL or reported in the Human Gene Mutation Database (HGMD: prior to June 1st, 2018), and was therefore a candidate for classification through an automated scoring system. Utilizing variant allele frequency, disease prevalence and penetrance estimates, and inheritance mode, an automated score was calculated to assess if this variant is too frequent to cause the disease. Based on the score and internal cut-off values, a variant classified as benign is not then subjected to further curation. The score for this variant resulted in a classification of benign for this disease.

Illumina Laboratory Services, Illumina
Classification: Benign for Schwartz-Jampel syndrome type 1. Last evaluated: 2018-01-13. Review status: criteria provided, single submitter. Criteria: ICSL Variant Classification Criteria 13 December 2019. Collection method: clinical testing. Allele origin: germline.
Comment: the same text as in the submission from Illumina Laboratory Services, Illumina above.

Breakthrough Genomics
Classification: Benign. Review status: criteria provided, single submitter. Criteria: ACMG Guidelines, 2015. Collection method: not provided. Allele origin: germline. Inheritance: Autosomal recessive inheritance. Affected: yes.

NM_005529.7(HSPG2):c.10895G>A (p.Arg3632Gln)

Gene: HSPG2 (heparan sulfate proteoglycan 2; minus strand). Cytogenetic location: 1p36.12.
Variant type: single nucleotide variant.
Coding change: c.10895G>A on transcript NM_005529.7 (MANE Select); coding-DNA position 10895, G replaced by A.
Protein change: p.Arg3632Gln; replaces arginine 3632 with glutamine.
Molecular consequence: missense variant.
Genome position (GRCh38, 1-based): chr1:21,833,550, C>T on the plus strand (G>A on the coding strand, the complement: HSPG2 is on the minus strand). VCF-style: chr1-21833550-C-T. GRCh37 (hg19) VCF-style: chr1-22160043-C-T.
Other names: c.10898G>A, p.Arg3633Gln (NM_001291860.2); short protein forms R3632Q, R3633Q.
Identifiers: ClinVar variation 295727 (VCV000295727.18), dbSNP rs2229493, ClinGen allele CA669987.